The following is an entry in ClinVar:

NM_006074.5(TRIM22):c.725G>C (p.Arg242Thr)

Gene: TRIM22 (tripartite motif containing 22; plus strand). Cytogenetic location: 11p15.4.
Variant type: single nucleotide variant.
Coding change: c.725G>C on transcript NM_006074.5 (MANE Select); coding-DNA position 725, G replaced by C.
Protein change: p.Arg242Thr; replaces arginine 242 with threonine.
Molecular consequence: missense variant.
Genome position (GRCh38, 1-based): chr11:5,698,520, G>C. VCF-style: chr11-5698520-G-C. GRCh37 (hg19) VCF-style: chr11-5719750-G-C.
Other names: p.Arg242Thr; c.713G>C, p.Arg238Thr (NM_001199573.2); short protein forms R238T, R242T.
Identifiers: ClinVar variation 2688046 (VCV002688046.3), dbSNP rs1063303, ClinGen allele CA5845868.

ClinVar aggregate classification (germline): Benign. Review status: criteria provided, multiple submitters, no conflicts (2 of 4 stars). 2 submissions from 2 submitters: Benign (2). Last evaluated 2024-01-24.

Allele frequency attached by ClinVar (database versions not stated): TOPMed 0.46941; 1000 Genomes Project 30x 0.42536; 1000 Genomes Project 0.42692; ESP Exome Variant Server 0.51326.
gnomAD v4.1: 875,807 of 1,612,768 alleles (54%); highest among the groups gnomAD compares: Non-Finnish European, 57%; 244,870 homozygotes.

Submissions (2):

Unidad de Genómica Garrahan, Hospital de Pediatría Garrahan
Classification: Benign. Last evaluated: 2024-01-24. Review status: criteria provided, single submitter. Criteria: ACMG Guidelines, 2015. Collection method: clinical testing. Allele origin: germline. Affected: no. Observed: 60 variant alleles.
Comment: This variant is classified as Benign based on local population frequency. This variant was detected in 63% of patients studied by a panel of primary immunodeficiencies. Number of patients: 60. Only high quality variants are reported.

Mayo Clinic Laboratories, Mayo Clinic
Classification: Benign. Last evaluated: 2023-08-22. Review status: criteria provided, single submitter. Criteria: ACMG Guidelines, 2015. Collection method: clinical testing. Allele origin: germline. Observed: 69 variant alleles.
Comment: BA1, BP4

Literature cited by the submitters: PubMed 24863734 (cited by Mayo Clinic Laboratories, Mayo Clinic).